The following is an entry in ClinVar:

ClinVar aggregate classification (germline): Uncertain significance (1 of 4 stars; one submission).

Submission:

Labcorp Genetics (formerly Invitae), Labcorp
Classification: Uncertain significance. Last evaluated: 2024-04-10. Review status: criteria provided, single submitter. Criteria: Invitae Variant Classification Sherloc (09022015). Collection method: clinical testing. Allele origin: germline.
Comment: This sequence change replaces glycine, which is neutral and non-polar, with arginine, which is basic and polar, at codon 291 of the KCNK4 protein (p.Gly291Arg). This variant is not present in population databases (gnomAD no frequency). This variant has not been reported in the literature in individuals affected with KCNK4-related conditions. ClinVar contains an entry for this variant (Variation ID: 1362092). An algorithm developed to predict the effect of missense changes on protein structure and function (PolyPhen-2) suggests that this variant is likely to be disruptive. In summary, the available evidence is currently insufficient to determine the role of this variant in disease. Therefore, it has been classified as a Variant of Uncertain Significance.

NM_033310.3(KCNK4):c.871G>A (p.Gly291Arg)

Genes: KCNK4 (potassium two pore domain channel subfamily K member 4; plus strand), KCNK4-CATSPERZ (KCNK4-CATSPERZ readthrough (NMD candidate); plus strand). Cytogenetic location: 11q13.1.
Variant type: single nucleotide variant.
Coding change: c.871G>A on transcript NM_033310.3 (MANE Select); coding-DNA position 871, G replaced by A.
Protein change: p.Gly291Arg; replaces glycine 291 with arginine.
Molecular consequence: missense variant. On other transcripts: non-coding transcript variant (3).
Genome position (GRCh38, 1-based): chr11:64,299,415, G>A. VCF-style: chr11-64299415-G-A. GRCh37 (hg19) VCF-style: chr11-64066887-G-A.
Other names: c.871G>A, p.Gly291Arg (NM_001317090.2); short protein forms G291R.
Identifiers: ClinVar variation 1362092 (VCV001362092.8), dbSNP rs2034865482, ClinGen allele CA381067245.
Genomic context (GRCh38, chr11:64,299,415, plus strand): 5'-CTCACGGCTCAGGCTGCCAGCTGGACTGGCACGGTGACAGCGCGCGTGACCCAGCGAGCC[G>A]GGCCCGCCGCCCCGCCGCCGGAGAAGGAGCAGCCACTGCTGCCTCCACCGCCCTGTCCAG-3'
Protein context (NP_201567.1, residues 281-301): TVTARVTQRA[Gly291Arg]PAAPPPEKEQ